The following is an entry in ClinVar:

NM_001953.5(TYMP):c.1313_1314del (p.Leu438fs)

Genes: SCO2 (synthesis of cytochrome C oxidase 2; minus strand), TYMP (thymidine phosphorylase; minus strand), LOC130067862 (ATAC-STARR-seq lymphoblastoid silent region 13986; plus strand). Cytogenetic location: 22q13.33.
Variant type: Deletion.
Coding change: c.1313_1314del on transcript NM_001953.5 (MANE Select); coding-DNA positions 1313 to 1314, 2 bases deleted (TC; older notation c.1313_1314delTC).
Protein change: p.Leu438fs; shifts the reading frame from leucine 438.
Molecular consequence: frameshift variant. On other transcripts: intron variant (2).
Genome position (GRCh38, 1-based): chr22:50,525,905-50,525,906, GA deleted on the plus strand (TC on the coding strand, the reverse complement: TYMP is on the minus strand); deleting any 2 consecutive bases within chr22:50,525,905-50,525,907 gives the same sequence; the c. name uses the placement nearest the transcript's 3' end. VCF-style (leftmost placement, unchanged base first): chr22-50525904-GGA-G. GRCh37 (hg19) VCF-style: chr22-50964333-GGA-G.
Other names: c.1313_1314del, p.Leu438fs (NM_001113755.3, NM_001113756.3, NM_001257988.1); c.1328_1329del, p.Leu443fs (NM_001257989.1); c.-14+340_-14+341del (NM_001169109.2); c.-14+95_-14+96del (NM_001169110.1); short protein forms L438fs, L443fs.
Identifiers: ClinVar variation 4722646 (VCV004722646.1).

ClinVar aggregate classification (germline): Pathogenic (1 of 4 stars; one submission).

Submission:

Labcorp Genetics (formerly Invitae), Labcorp
Classification: Pathogenic. Last evaluated: 2025-07-07. Review status: criteria provided, single submitter. Criteria: Invitae Variant Classification Sherloc (09022015). Collection method: clinical testing. Allele origin: germline.
Comment: This sequence change is expected to alter the c-terminus of the TYMP protein (p.Leu438Profs*). While this is not anticipated to result in nonsense mediated decay, it is expected to disrupt the last 45 amino acid(s) of the TYMP protein and extend the protein by an uncertain number of additional amino acid residues. This variant is not present in population databases (gnomAD no frequency). This variant has not been reported in the literature in individuals affected with TYMP-related conditions. This variant disrupts a region of the TYMP protein in which other variant(s) (p.S471*) have been determined to be pathogenic (PMID: 17437622). This suggests that this is a clinically significant region of the protein, and that variants that disrupt it are likely to be disease-causing. For these reasons, this variant has been classified as Pathogenic.

Literature cited by the submitters: PubMed 17437622.